The following is an entry in ClinVar:

NM_003002.4(SDHD):c.244G>A (p.Ala82Thr)

Gene: SDHD (succinate dehydrogenase complex subunit D; plus strand). Cytogenetic location: 11q23.1.
Variant type: single nucleotide variant.
Coding change: c.244G>A on transcript NM_003002.4 (MANE Select); coding-DNA position 244, G replaced by A.
Protein change: p.Ala82Thr; replaces alanine 82 with threonine.
Molecular consequence: missense variant. On other transcripts: non-coding transcript variant (1), intron variant (1).
Genome position (GRCh38, 1-based): chr11:112,088,941, G>A. VCF-style: chr11-112088941-G-A. GRCh37 (hg19) VCF-style: chr11-111959665-G-A.
Other names: c.127G>A, p.Ala43Thr (NM_001276504.2); c.244G>A, p.Ala82Thr (NM_001276506.2); c.169+968G>A (NM_001276503.2); short protein forms A43T, A82T.
Identifiers: ClinVar variation 5029376 (VCV005029376.1).

ClinVar aggregate classification (germline): Uncertain significance (1 of 4 stars; one submission).

Conditions:
Hereditary cancer-predisposing syndrome. Also called: Neoplastic Syndromes, Hereditary; Tumor predisposition; Hereditary neoplastic syndrome; Hereditary Cancer Syndrome. Identifiers: Orphanet 140162, MedGen C0027672, MeSH D009386, MONDO:0015356.

Submission:

Ambry Genetics
Classification: Uncertain significance for Hereditary cancer-predisposing syndrome. Last evaluated: 2026-07-07. Review status: criteria provided, single submitter. Criteria: Ambry Variant Classification Scheme 2023. Collection method: clinical testing. Allele origin: germline.
Comment: The p.A82T variant (also known as c.244G>A), located in coding exon 3 of the SDHD gene, results from a G to A substitution at nucleotide position 244. The alanine at codon 82 is replaced by threonine, an amino acid with similar properties. This amino acid position is conserved. In addition, this alteration is predicted to be deleterious by in silico analysis. Based on the available evidence, the clinical significance of this variant remains unclear.